The following is an entry in ClinVar:

ClinVar aggregate classification (germline): Uncertain significance. Review status: criteria provided, multiple submitters, no conflicts (2 of 4 stars). 2 submissions from 2 submitters: Uncertain significance (2). Last evaluated 2026-01-24.

Conditions:
Inborn genetic diseases. Identifiers: MedGen C0950123, MeSH D030342.
Atrial standstill 1 (ATRST1). Also called: CARDIOMYOPATHY, FAMILIAL, WITH CONDUCTION DISTURBANCE; ATRIAL CARDIOMYOPATHY WITH HEART BLOCK; Atrial standstill, digenic (GJA5/SCN5A). Identifiers: Orphanet 1344, MedGen C4551959, MONDO:0007171, OMIM 108770.
Atrial fibrillation, familial, 11 (ATFB11). Identifiers: MedGen C3279693, MONDO:0013544, OMIM 614049.

Allele frequency attached by ClinVar (database versions not stated): TOPMed 0.00001; ExAC 0.00002; gnomAD 0.00002 and 0.00003; gnomAD exomes 0.00004.

Submissions (2):

Labcorp Genetics (formerly Invitae), Labcorp
Classification: Uncertain significance for Atrial fibrillation, familial, 11; Atrial standstill 1. Last evaluated: 2026-01-24. Review status: criteria provided, single submitter. Criteria: Invitae Variant Classification Sherloc (09022015). Collection method: clinical testing. Allele origin: germline.
Comment: This sequence change replaces glutamic acid, which is acidic and polar, with glutamine, which is neutral and polar, at codon 124 of the GJA5 protein (p.Glu124Gln). This variant is present in population databases (rs782428701, gnomAD 0.05%). This variant has not been reported in the literature in individuals affected with GJA5-related conditions. ClinVar contains an entry for this variant (Variation ID: 1492720). Invitae Evidence Modeling of protein sequence and biophysical properties (such as structural, functional, and spatial information, amino acid conservation, physicochemical variation, residue mobility, and thermodynamic stability) indicates that this missense variant is not expected to disrupt GJA5 protein function with a negative predictive value of 80%. In summary, the available evidence is currently insufficient to determine the role of this variant in disease. Therefore, it has been classified as a Variant of Uncertain Significance.

Ambry Genetics
Classification: Uncertain significance for Inborn genetic diseases. Last evaluated: 2024-01-03. Review status: criteria provided, single submitter. Criteria: Ambry Variant Classification Scheme 2023. Collection method: clinical testing. Allele origin: germline.

NM_181703.4(GJA5):c.370G>C (p.Glu124Gln)

Gene: GJA5 (gap junction protein alpha 5; minus strand). Cytogenetic location: 1q21.2.
Variant type: single nucleotide variant.
Coding change: c.370G>C on transcript NM_181703.4 (MANE Select); coding-DNA position 370, G replaced by C.
Protein change: p.Glu124Gln; replaces glutamic acid 124 with glutamine.
Molecular consequence: missense variant.
Genome position (GRCh38, 1-based): chr1:147,758,869, C>G on the plus strand (G>C on the coding strand, the complement: GJA5 is on the minus strand). VCF-style: chr1-147758869-C-G. GRCh37 (hg19) VCF-style: chr1-147230977-C-G.
Other names: c.370G>C, p.Glu124Gln (NM_005266.7); c.370G>C (NM_005266.5); short protein forms E124Q.
Identifiers: ClinVar variation 1492720 (VCV001492720.7), dbSNP rs782428701, ClinGen allele CA1065776.